The following is an entry in ClinVar:

ClinVar aggregate classification (germline): Uncertain significance. Review status: criteria provided, multiple submitters, no conflicts (2 of 4 stars). 2 submissions from 2 submitters: Uncertain significance (2). Last evaluated 2026-07-01.

Conditions:
Developmental and epileptic encephalopathy, 54. Also called: Epileptic encephalopathy, early infantile, 54; HNRNPU-Related Neurodevelopmental Disorder. Identifiers: MedGen C4479319, MONDO:0033363, OMIM 617391.

Allele frequency attached by ClinVar (database versions not stated): TOPMed 0.00002.

Submissions (2):

CeGaT Center for Human Genetics Tuebingen
Classification: Uncertain significance. Last evaluated: 2026-07-01. Review status: criteria provided, single submitter. Criteria: CeGaT Center For Human Genetics Tuebingen Variant Classification Criteria Version 2. Collection method: clinical testing. Allele origin: germline. Affected: yes. Observed: 1 variant allele.
Comment: HNRNPU: PM2

Labcorp Genetics (formerly Invitae), Labcorp
Classification: Uncertain significance for Developmental and epileptic encephalopathy, 54. Last evaluated: 2023-12-30. Review status: criteria provided, single submitter. Criteria: Invitae Variant Classification Sherloc (09022015). Collection method: clinical testing. Allele origin: germline.
Comment: This sequence change replaces glycine, which is neutral and non-polar, with arginine, which is basic and polar, at codon 64 of the HNRNPU protein (p.Gly64Arg). This variant is not present in population databases (gnomAD no frequency). This variant has not been reported in the literature in individuals affected with HNRNPU-related conditions. An algorithm developed to predict the effect of missense changes on protein structure and function (PolyPhen-2) suggests that this variant is likely to be disruptive. In summary, the available evidence is currently insufficient to determine the role of this variant in disease. Therefore, it has been classified as a Variant of Uncertain Significance.

NM_031844.3(HNRNPU):c.190G>A (p.Gly64Arg)

Gene: HNRNPU (heterogeneous nuclear ribonucleoprotein U; minus strand). Cytogenetic location: 1q44.
Variant type: single nucleotide variant.
Coding change: c.190G>A on transcript NM_031844.3 (MANE Select); coding-DNA position 190, G replaced by A.
Protein change: p.Gly64Arg; replaces glycine 64 with arginine.
Molecular consequence: missense variant.
Genome position (GRCh38, 1-based): chr1:244,864,118, C>T on the plus strand (G>A on the coding strand, the complement: HNRNPU is on the minus strand). VCF-style: chr1-244864118-C-T. GRCh37 (hg19) VCF-style: chr1-245027420-C-T.
Other names: c.190G>A, p.Gly64Arg (NM_004501.3); short protein forms G64R.
Identifiers: ClinVar variation 2797968 (VCV002797968.4), dbSNP rs757262771, ClinGen allele CA1486849.
Genomic context (GRCh38, chr1:244,864,118, plus strand): 5'-CATCGCCGCCGGCCGCGGCCTCCTGCTCGAGGCCTGCTCCCGAGCGCCCAGCGGAATCCC[C>T]GCCCAGGTCTAGGCTGCCGTTCCCGGGCTCCATGGCGGGGCGGCCCCCGGCCTCCTCGTC-3'
Protein context (NP_114032.2, residues 54-74): EPGNGSLDLG[Gly64Arg]DSAGRSGAGL